The following is an entry in ClinVar:

NM_017852.5(NLRP2):c.1374G>T (p.Leu458=)

Gene: NLRP2 (NLR family pyrin domain containing 2; plus strand). Cytogenetic location: 19q13.42.
Variant type: single nucleotide variant.
Coding change: c.1374G>T on transcript NM_017852.5 (MANE Select); coding-DNA position 1374, G replaced by T.
Protein change: p.Leu458=; no amino-acid change (leucine 458 retained).
Molecular consequence: synonymous variant. On other transcripts: non-coding transcript variant (1).
Genome position (GRCh38, 1-based): chr19:54,983,072, G>T. VCF-style: chr19-54983072-G-T. GRCh37 (hg19) VCF-style: chr19-55494440-G-T.
Other names: c.1374G>T, p.Leu458= (NM_001174081.3); c.1308G>T, p.Leu436= (NM_001174082.3); c.1305G>T, p.Leu435= (NM_001174083.2); c.1365G>T, p.Leu455= (NM_001348003.2).
Identifiers: ClinVar variation 3055148 (VCV003055148.2), dbSNP rs2071732920, ClinGen allele CA2740096972.

ClinVar aggregate classification (germline): Likely benign (0 of 4 stars; one submission).

Conditions:
NLRP2-related disorder. Also called: NLRP2-related condition.

Submission:

PreventionGenetics, part of Exact Sciences
Classification: Likely benign for NLRP2-related condition. Last evaluated: 2020-04-17. Review status: no assertion criteria provided. Collection method: clinical testing. Allele origin: germline.
Comment: This variant is classified as likely benign based on ACMG/AMP sequence variant interpretation guidelines (Richards et al. 2015 PMID: 25741868, with internal and published modifications).